The following is an entry in ClinVar:

ClinVar aggregate classification (germline): Likely pathogenic (1 of 4 stars; one submission).

Conditions:
Schwartz-Jampel syndrome type 1 (SJS1). Also called: MYOTONIC MYOPATHY, DWARFISM, CHONDRODYSTROPHY, AND OCULAR AND FACIAL ABNORMALITIES; CHONDRODYSTROPHIC MYOTONIA. Identifiers: MedGen C4551479, MONDO:0100435, OMIM 255800.
Lethal Kniest-like syndrome (DDSH). Also called: Dyssegmental Dysplasia. Identifiers: Orphanet 1865, MedGen C1857100, MONDO:0009140, OMIM 224410.

Submission:

Juno Genomics, Hangzhou Juno Genomics, Inc
Classification: Likely pathogenic for Schwartz-Jampel syndrome type 1; Lethal Kniest-like syndrome. Review status: criteria provided, single submitter. Criteria: ACMG Guidelines, 2015. Collection method: clinical testing. Allele origin: germline.
Comment: Absent from controls (or at extremely low frequency if recessive) in Genome Aggregation Database.;Null variant in a gene where loss of function (LOF) is a known mechanism of disease.

NM_005529.7(HSPG2):c.1818+1G>A

Gene: HSPG2 (heparan sulfate proteoglycan 2; minus strand). Cytogenetic location: 1p36.12.
Variant type: single nucleotide variant.
Coding change: c.1818+1G>A on transcript NM_005529.7 (MANE Select); the canonical splice donor site of the intron after coding-DNA position 1818, G replaced by A.
Molecular consequence: splice donor variant.
Genome position (GRCh38, 1-based): chr1:21,881,338, C>T on the plus strand (G>A on the coding strand, the complement: HSPG2 is on the minus strand). VCF-style: chr1-21881338-C-T. GRCh37 (hg19) VCF-style: chr1-22207831-C-T.
Other names: c.1821+1G>A (NM_001291860.2).
Identifiers: ClinVar variation 5019080 (VCV005019080.2).
Genomic context (GRCh38, chr1:21,881,338, plus strand): 5'-AGAAGGAGCAGAGCCCACAGGAATTCTTTCCCCACCCAGGGTGGCAGCCCAGGCCCCTCA[C>T]CTTGTTGCCCAGGAACTGTTCAGGCAGAGCCCAGAAGGAGTCGTGGACGAGGAAGCGGCG-3'